The following is an entry in ClinVar:

ClinVar aggregate classification (germline): Benign/Likely benign. Review status: criteria provided, multiple submitters, no conflicts (2 of 4 stars). 15 submissions from 14 submitters: Benign (12); Likely benign (1). 2 of the submissions do not count toward it. Last evaluated 2026-02-04.

Conditions:
Nemaline myopathy 2 (NEM2). Also called: Nemaline myopathy 2, autosomal recessive. Identifiers: MedGen C1850569, MONDO:0009725, OMIM 256030.
Arthrogryposis multiplex congenita 6. Identifiers: MedGen C5543431, MONDO:0030281, OMIM 619334.

Allele frequency attached by ClinVar (database versions not stated): ESP Exome Variant Server 0.04223; TOPMed 0.04884; gnomAD 0.04908 and 0.05468; gnomAD exomes 0.06697 and 0.07717; ExAC 0.07739; 1000 Genomes Project 30x 0.08620; 1000 Genomes Project 0.09205.
gnomAD v4.1: 105,245 of 1,598,366 alleles (6.6%); highest among the groups gnomAD compares: East Asian, 31%; 5,482 homozygotes.

Submissions (15):

Labcorp Genetics (formerly Invitae), Labcorp
Classification: Benign for Nemaline myopathy 2. Last evaluated: 2026-02-04. Review status: criteria provided, single submitter. Criteria: Invitae Variant Classification Sherloc (09022015). Collection method: clinical testing. Allele origin: germline.

Blueprint Genetics
Classification: Likely benign. Last evaluated: 2024-11-26. Review status: criteria provided, single submitter. Criteria: ACMG Guidelines, 2015. Collection method: clinical testing. Allele origin: germline.

Athena Diagnostics
Classification: Benign. Last evaluated: 2023-12-01. Review status: criteria provided, single submitter. Criteria: Athena Diagnostics Criteria. Collection method: clinical testing. Allele origin: unknown.

Fulgent Genetics
Classification: Benign for Nemaline myopathy 2; Arthrogryposis multiplex congenita 6. Last evaluated: 2021-07-28. Review status: criteria provided, single submitter. Criteria: ACMG Guidelines, 2015. Collection method: clinical testing. Allele origin: unknown.

Genome-Nilou Lab
Classification: Benign for Arthrogryposis multiplex congenita 6. Last evaluated: 2021-07-10. Review status: criteria provided, single submitter. Criteria: ACMG Guidelines, 2015. Collection method: clinical testing. Allele origin: germline. Affected: no.

Genome-Nilou Lab
Classification: Benign for Nemaline myopathy 2. Last evaluated: 2021-07-10. Review status: criteria provided, single submitter. Criteria: ACMG Guidelines, 2015. Collection method: clinical testing. Allele origin: germline. Affected: no.

Illumina Laboratory Services, Illumina
Classification: Benign for Nemaline myopathy 2. Last evaluated: 2018-01-13. Review status: criteria provided, single submitter. Criteria: ICSL Variant Classification Criteria 13 December 2019. Collection method: clinical testing. Allele origin: germline.
Comment: This variant was observed in the ICSL laboratory as part of a predisposition screen in an ostensibly healthy population. It had not been previously curated by ICSL or reported in the Human Gene Mutation Database (HGMD: prior to June 1st, 2018), and was therefore a candidate for classification through an automated scoring system. Utilizing variant allele frequency, disease prevalence and penetrance estimates, and inheritance mode, an automated score was calculated to assess if this variant is too frequent to cause the disease. Based on the score and internal cut-off values, a variant classified as benign is not then subjected to further curation. The score for this variant resulted in a classification of benign for this disease.

Women's Health and Genetics/Laboratory Corporation of America, LabCorp
Classification: Benign. Last evaluated: 2017-09-25. Review status: criteria provided, single submitter. Criteria: LabCorp Variant Classification Summary - May 2015. Collection method: clinical testing. Allele origin: germline.
Comment: Variant summary: The NEB c.5971C>T (p.His1991Tyr) variant involves the alteration of a non-conserved nucleotide that is the first exonic nucleotide at an exon-intron junction. 4/4 in silico tools predict a benign outcome for this variant (SNPsandGO not captured due to low reliability index) and 5/5 splice prediction tools predict no significant impact on normal splicing. However, these predictions have yet to be confirmed by functional studies. This variant was found in 20328/251662 control chromosomes (1289 homozygotes) at a frequency of 0.080775, which is approximately 23 times the estimated maximal expected allele frequency of a pathogenic NEB variant (0.0035355), strongly suggesting this variant is likely a benign polymorphism. In addition, multiple clinical diagnostic laboratories/reputable databases classified this variant as benign. The variant of interest has not, to our knowledge, been reported in affected individuals via publications, nor evaluated for functional impact by in vivo/vitro studies. Taken together, this variant is classified as benign.

Mayo Clinic Laboratories, Mayo Clinic
Classification: Benign. Last evaluated: 2017-07-25. Review status: criteria provided, single submitter. Criteria: ACMG Guidelines, 2015. Collection method: clinical testing. Allele origin: germline. Observed: 68 variant alleles.

GeneDx
Classification: Benign. Last evaluated: 2016-01-30. Review status: criteria provided, single submitter. Criteria: GeneDx Variant Classification (06012015). Collection method: clinical testing. Allele origin: germline. Affected: yes.
Comment: This variant is considered likely benign or benign based on one or more of the following criteria: it is a conservative change, it occurs at a poorly conserved position in the protein, it is predicted to be benign by multiple in silico algorithms, and/or has population frequency not consistent with disease.

Laboratory for Molecular Medicine, Mass General Brigham Personalized Medicine
Classification: Benign. Last evaluated: 2014-11-26. Review status: criteria provided, single submitter. Criteria: LMM Criteria. Collection method: clinical testing. Allele origin: germline. Observed: 1 variant allele.
Comment: p.His1991Tyr in exon 47 of NEB: This variant is not expected to have clinical si gnificance because it has been identified in 5.4% (442/8180) of European America n chromosomes by the NHLBI Exome Sequencing Project (u/EVS/) and in 26% (148/572) of Asian chromosomes by the 1000 Genomes Project (d bSNP rs75807392).

Breakthrough Genomics
Classification: Benign. Review status: criteria provided, single submitter. Criteria: ACMG Guidelines, 2015. Collection method: not provided. Allele origin: germline. Inheritance: Autosomal recessive inheritance. Affected: yes.

PreventionGenetics, part of Exact Sciences
Classification: Benign. Review status: criteria provided, single submitter. Criteria: ACMG Guidelines, 2015. Collection method: clinical testing. Allele origin: germline.

Natera, Inc.
Classification: Benign for Nemaline myopathy type 2. Last evaluated: 2020-09-16. Review status: no assertion criteria provided. Collection method: clinical testing. Allele origin: germline. Not counted in ClinVar's aggregate classification.

Genetic Services Laboratory, University of Chicago
Classification: Likely benign for AllHighlyPenetrant. Review status: no assertion criteria provided. Collection method: clinical testing. Allele origin: germline. Inheritance: Autosomal recessive inheritance. Not counted in ClinVar's aggregate classification.
Comment: Likely benign based on allele frequency in 1000 Genomes Project or ESP global frequency and its presence in a patient with a rare or unrelated disease phenotype. NOT Sanger confirmed.

NM_001164508.2(NEB):c.5971C>T (p.His1991Tyr)

Gene: NEB (nebulin; minus strand). Cytogenetic location: 2q23.3.
Variant type: single nucleotide variant.
Coding change: c.5971C>T on transcript NM_001164508.2 (MANE Select); coding-DNA position 5971, C replaced by T.
Protein change: p.His1991Tyr; replaces histidine 1991 with tyrosine.
Molecular consequence: missense variant.
Genome position (GRCh38, 1-based): chr2:151,659,169, G>A on the plus strand (C>T on the coding strand, the complement: NEB is on the minus strand). VCF-style: chr2-151659169-G-A. GRCh37 (hg19) VCF-style: chr2-152515683-G-A.
Other names: c.5971C>T, p.His1991Tyr (NM_001164507.2, NM_001271208.2, NM_004543.5); short protein forms H1991Y.
Identifiers: ClinVar variation 129752 (VCV000129752.33), dbSNP rs75807392, ClinGen allele CA154017.
Genomic context (GRCh38, chr2:151,659,169, plus strand): 5'-GGATATCAGGCATGATGTGGACTTTGGTTTTGTCAGCCTCCCATGCTTGTTTGTAGAGAT[G>A]CTAGGAAAAAAACAGTGTAAATTAGTGTTTAAAATCTTAAAAGAAGCTCACTTAGTACAT-3'
Protein context (NP_001157980.2, residues 1981-2001): AQNNAKIMNE[His1991Tyr]LYKQAWEADK